The following is an entry in ClinVar:

NM_017849.4(TMEM127):c.520G>T (p.Ala174Ser)

Gene: TMEM127 (transmembrane protein 127; minus strand). Cytogenetic location: 2q11.2.
Variant type: single nucleotide variant.
Coding change: c.520G>T on transcript NM_017849.4 (MANE Select); coding-DNA position 520, G replaced by T.
Protein change: p.Ala174Ser; replaces alanine 174 with serine.
Molecular consequence: missense variant.
Genome position (GRCh38, 1-based): chr2:96,254,005, C>A on the plus strand (G>T on the coding strand, the complement: TMEM127 is on the minus strand). VCF-style: chr2-96254005-C-A. GRCh37 (hg19) VCF-style: chr2-96919743-C-A.
Other names: c.520G>T, p.Ala174Ser (NM_001193304.3); c.268G>T, p.Ala90Ser (NM_001407282.1, NM_001407283.1); short protein forms A90S, A174S.
Identifiers: ClinVar variation 5030908 (VCV005030908.1).
Genomic context (GRCh38, chr2:96,254,005, plus strand): 5'-TGGCTGCCGTGGCCAGGATTGAGGCTCCACCAGCTCCTGCCACCAGGTAGAAGCTAACGG[C>A]GAAGGTGACATAGACCTGGGATCCATGGTACTTCTTATGCTGCTGCTGCTGGGCCAAGAT-3'
Protein context (NP_060319.1, residues 164-184): YHGSQVYVTF[Ala174Ser]VSFYLVAGAG

ClinVar aggregate classification (germline): Uncertain significance (1 of 4 stars; one submission).

Conditions:
Hereditary cancer-predisposing syndrome. Also called: Neoplastic Syndromes, Hereditary; Tumor predisposition; Hereditary neoplastic syndrome; Hereditary Cancer Syndrome. Identifiers: Orphanet 140162, MedGen C0027672, MeSH D009386, MONDO:0015356.

Submission:

Ambry Genetics
Classification: Uncertain significance for Hereditary cancer-predisposing syndrome. Last evaluated: 2026-07-06. Review status: criteria provided, single submitter. Criteria: Ambry Variant Classification Scheme 2023. Collection method: clinical testing. Allele origin: germline.
Comment: The p.A174S variant (also known as c.520G>T), located in coding exon 3 of the TMEM127 gene, results from a G to T substitution at nucleotide position 520. The alanine at codon 174 is replaced by serine, an amino acid with similar properties. This amino acid position is conserved. In addition, the in silico prediction for this alteration is inconclusive. Based on the available evidence, the clinical significance of this variant remains unclear.